The following is an entry in ClinVar:

ClinVar aggregate classification (germline): Uncertain significance. Review status: criteria provided, multiple submitters, no conflicts (2 of 4 stars). 2 submissions from 2 submitters: Uncertain significance (2). Last evaluated 2026-07-07.

Conditions:
Oligodontia-cancer predisposition syndrome. Also called: TOOTH AGENESIS-COLORECTAL CANCER SYNDROME. Identifiers: Orphanet 300576, MedGen C1837750, MONDO:0012075, OMIM 608615. Disease mechanism: loss of function.
Hereditary cancer-predisposing syndrome. Also called: Hereditary Cancer Syndrome; Hereditary neoplastic syndrome; Neoplastic Syndromes, Hereditary; Tumor predisposition. Identifiers: Orphanet 140162, MedGen C0027672, MeSH D009386, MONDO:0015356.

Submissions (2):

Ambry Genetics
Classification: Uncertain significance for Hereditary cancer-predisposing syndrome. Last evaluated: 2026-07-07. Review status: criteria provided, single submitter. Criteria: Ambry Variant Classification Scheme 2023. Collection method: clinical testing. Allele origin: germline.
Comment: The p.L608F variant (also known as c.1822C>T), located in coding exon 6 of the AXIN2 gene, results from a C to T substitution at nucleotide position 1822. The leucine at codon 608 is replaced by phenylalanine, an amino acid with highly similar properties. This amino acid position is conserved. In addition, this alteration is predicted to be tolerated by in silico analysis. Based on the available evidence, the clinical significance of this variant remains unclear.

Labcorp Genetics (formerly Invitae), Labcorp
Classification: Uncertain significance for Oligodontia-cancer predisposition syndrome. Last evaluated: 2024-01-31. Review status: criteria provided, single submitter. Criteria: Invitae Variant Classification Sherloc (09022015). Collection method: clinical testing. Allele origin: germline.
Comment: This sequence change replaces leucine, which is neutral and non-polar, with phenylalanine, which is neutral and non-polar, at codon 608 of the AXIN2 protein (p.Leu608Phe). This variant is not present in population databases (gnomAD no frequency). This variant has not been reported in the literature in individuals affected with AXIN2-related conditions. An algorithm developed to predict the effect of missense changes on protein structure and function (PolyPhen-2) suggests that this variant is likely to be disruptive. In summary, the available evidence is currently insufficient to determine the role of this variant in disease. Therefore, it has been classified as a Variant of Uncertain Significance.

NM_004655.4(AXIN2):c.1822C>T (p.Leu608Phe)

Gene: AXIN2 (axin 2; minus strand). Cytogenetic location: 17q24.1.
Variant type: single nucleotide variant.
Coding change: c.1822C>T on transcript NM_004655.4 (MANE Select); coding-DNA position 1822, C replaced by T.
Protein change: p.Leu608Phe; replaces leucine 608 with phenylalanine.
Molecular consequence: missense variant. On other transcripts: intron variant (1).
Genome position (GRCh38, 1-based): chr17:65,536,954, G>A on the plus strand (C>T on the coding strand, the complement: AXIN2 is on the minus strand). VCF-style: chr17-65536954-G-A. GRCh37 (hg19) VCF-style: chr17-63533072-G-A.
Other names: c.1712+370C>T (NM_001363813.1); short protein forms L608F.
Identifiers: ClinVar variation 2714302 (VCV002714302.4), dbSNP rs2144449691, ClinGen allele CA400676556.